The following is an entry in ClinVar:

NM_133259.4(LRPPRC):c.3985+14_3985+18del

Gene: LRPPRC (leucine rich pentatricopeptide repeat containing; minus strand). Cytogenetic location: 2p21.
Variant type: Deletion.
Coding change: c.3985+14_3985+18del on transcript NM_133259.4 (MANE Select); bases 14 to 18 of the intron after coding-DNA position 3985, 5 bases deleted (AATTT; older notation c.3985+14_3985+18delAATTT).
Molecular consequence: intron variant.
Genome position (GRCh38, 1-based): chr2:43,894,527-43,894,531, AAATT deleted on the plus strand (AATTT on the coding strand, the reverse complement: LRPPRC is on the minus strand); deleting any 5 consecutive bases within chr2:43,894,527-43,894,534 gives the same sequence; the c. name uses the placement nearest the transcript's 3' end. VCF-style (leftmost placement, unchanged base first): chr2-43894526-CAAATT-C. GRCh37 (hg19) VCF-style: chr2-44121665-CAAATT-C.
Other names: c.3985+14_3985+18delAATTT (NM_133259.3).
Identifiers: ClinVar variation 422090 (VCV000422090.4), dbSNP rs781110277, ClinGen allele CA1637868.

ClinVar aggregate classification (germline): Likely benign. Review status: criteria provided, multiple submitters, no conflicts (2 of 4 stars). 2 submissions from 2 submitters: Likely benign (2). Last evaluated 2024-02-16.

Submissions (2):

Labcorp Genetics (formerly Invitae), Labcorp
Classification: Likely benign. Last evaluated: 2024-02-16. Review status: criteria provided, single submitter. Criteria: Invitae Variant Classification Sherloc (09022015). Collection method: clinical testing. Allele origin: germline.

GeneDx
Classification: Likely benign. Last evaluated: 2016-09-09. Review status: criteria provided, single submitter. Criteria: GeneDx Variant Classification (06012015). Collection method: clinical testing. Allele origin: germline. Affected: yes.
Comment: This variant is considered likely benign or benign based on one or more of the following criteria: it is a conservative change, it occurs at a poorly conserved position in the protein, it is predicted to be benign by multiple in silico algorithms, and/or has population frequency not consistent with disease.